The following is an entry in ClinVar:

NM_030662.4(MAP2K2):c.1112G>T (p.Arg371Leu)

Gene: MAP2K2 (mitogen-activated protein kinase kinase 2; minus strand). Cytogenetic location: 19p13.3.
Variant type: single nucleotide variant.
Coding change: c.1112G>T on transcript NM_030662.4 (MANE Select); coding-DNA position 1112, G replaced by T.
Protein change: p.Arg371Leu; replaces arginine 371 with leucine.
Molecular consequence: missense variant.
Genome position (GRCh38, 1-based): chr19:4,090,689, C>A on the plus strand (G>T on the coding strand, the complement: MAP2K2 is on the minus strand). VCF-style: chr19-4090689-C-A. GRCh37 (hg19) VCF-style: chr19-4090687-C-A.
Other names: short protein forms R371L.
Identifiers: ClinVar variation 2199936 (VCV002199936.4), dbSNP rs730880514, ClinGen allele CA403381137.
Genomic context (GRCh38, chr19:4,090,689, plus strand): 5'-TGGTTCAGCCGCAGGGTTTTACACAACCAGCCGGCAAAATCCACTTCTTCCACCTCGGAC[C>A]GCTTGATGAAGGTGTGGTTCTGCAAGGAAAGGGGAGCCGTGAGCACCCGGGCCTGGAGTC-3'
Protein context (NP_109587.1, residues 361-381): KMLTNHTFIK[Arg371Leu]SEVEEVDFAG

ClinVar aggregate classification (germline): Uncertain significance (1 of 4 stars; one submission).

Conditions:
RASopathy. Also called: Noonan spectrum disorder; rasopathies. Identifiers: Orphanet 536391, MedGen C5555857, MONDO:0021060.

gnomAD v4.1: 11 of 1,558,380 alleles (0.00071%); highest among the groups gnomAD compares: Admixed American, 0.0019%; no homozygotes.

Submission:

Labcorp Genetics (formerly Invitae), Labcorp
Classification: Uncertain significance for RASopathy. Last evaluated: 2023-12-09. Review status: criteria provided, single submitter. Criteria: Invitae Variant Classification Sherloc (09022015). Collection method: clinical testing. Allele origin: germline.
Comment: This sequence change replaces arginine, which is basic and polar, with leucine, which is neutral and non-polar, at codon 371 of the MAP2K2 protein (p.Arg371Leu). The frequency data for this variant in the population databases is considered unreliable, as metrics indicate poor data quality at this position in the gnomAD database. This variant has not been reported in the literature in individuals affected with MAP2K2-related conditions. ClinVar contains an entry for this variant (Variation ID: 2199936). Advanced modeling of protein sequence and biophysical properties (such as structural, functional, and spatial information, amino acid conservation, physicochemical variation, residue mobility, and thermodynamic stability) performed at Invitae indicates that this missense variant is not expected to disrupt MAP2K2 protein function with a negative predictive value of 95%. In summary, the available evidence is currently insufficient to determine the role of this variant in disease. Therefore, it has been classified as a Variant of Uncertain Significance.